The following is an entry in ClinVar:

NM_002880.4(RAF1):c.-34T>C

Gene: RAF1 (Raf-1 proto-oncogene, serine/threonine kinase; minus strand). Cytogenetic location: 3p25.2.
Variant type: single nucleotide variant.
Coding change: c.-34T>C on transcript NM_002880.4 (MANE Select); 34 bases upstream of the start codon, T replaced by C.
Molecular consequence: 5 prime UTR variant. On other transcripts: non-coding transcript variant (3).
Genome position (GRCh38, 1-based): chr3:12,663,820, A>G on the plus strand (T>C on the coding strand, the complement: RAF1 is on the minus strand). VCF-style: chr3-12663820-A-G. GRCh37 (hg19) VCF-style: chr3-12705319-A-G.
Other names: c.-34T>C (NM_001354689.3, NM_001354693.3); c.-257T>C (NM_001354691.3); c.-164T>C (NM_001354692.3, NM_001354694.3, NM_001354695.3).
Identifiers: ClinVar variation 516622 (VCV000516622.1), dbSNP rs1553626734, ClinGen allele CA658796239.

ClinVar aggregate classification (germline): Likely benign (1 of 4 stars; one submission).

Allele frequency attached by ClinVar (database versions not stated): TOPMed below 0.00001.

Submission:

GeneDx
Classification: Likely benign. Last evaluated: 2017-03-03. Review status: criteria provided, single submitter. Criteria: GeneDx Variant Classification (06012015). Collection method: clinical testing. Allele origin: germline. Affected: yes.
Comment: This variant is considered likely benign or benign based on one or more of the following criteria: it is a conservative change, it occurs at a poorly conserved position in the protein, it is predicted to be benign by multiple in silico algorithms, and/or has population frequency not consistent with disease.